The following is an entry in ClinVar:

NM_000548.5(TSC2):c.2883A>T (p.Pro961=)

Gene: TSC2 (TSC complex subunit 2; plus strand). Cytogenetic location: 16p13.3.
Variant type: single nucleotide variant.
Coding change: c.2883A>T on transcript NM_000548.5 (MANE Select); coding-DNA position 2883, A replaced by T.
Protein change: p.Pro961=; no amino-acid change (proline 961 retained).
Molecular consequence: synonymous variant. On other transcripts: intron variant (9).
Genome position (GRCh38, 1-based): chr16:2,077,643, A>T. VCF-style: chr16-2077643-A-T. GRCh37 (hg19) VCF-style: chr16-2127644-A-T.
Other names: c.2883A>T, p.Pro961= (NM_001114382.3); c.2837+1058A>T (NM_021055.3, NM_001370405.1, NM_001363528.2 and 2 more transcripts); c.2726+1058A>T (NM_001318827.2); c.2237+1058A>T (NM_001318831.2); c.2690+1058A>T (NM_001318829.2); c.2870+1058A>T (NM_001318832.2).
Identifiers: ClinVar variation 1546703 (VCV001546703.10), dbSNP rs1596374943, ClinGen allele CA492954908.

ClinVar aggregate classification (germline): Conflicting classifications of pathogenicity. Review status: criteria provided, conflicting classifications (1 of 4 stars). 3 submissions from 3 submitters: Uncertain significance (1); Benign (1); Likely benign (1). Last evaluated 2025-05-27.

Conditions:
Isolated focal cortical dysplasia type II (FCORD2). Also called: Focal cortical dysplasia type II; CORTICAL DYSPLASIA OF TAYLOR. Identifiers: Orphanet 268994, MedGen C1846385, MONDO:0011818, OMIM 607341, HP:0032051.
Lymphangiomyomatosis (LAM). Also called: Lymphangioleiomyomatosis, somatic; Lymphangioleiomyomatosis. Identifiers: Orphanet 538, MedGen C0751674, MONDO:0011705, OMIM 606690.
Tuberous sclerosis 2 (TSC2). Identifiers: Orphanet 805, MedGen C1860707, MONDO:0013199, OMIM 613254.

Submissions (3):

Myriad Genetics, Inc.
Classification: Benign for Tuberous sclerosis 2. Last evaluated: 2025-05-27. Review status: criteria provided, single submitter. Criteria: Myriad Autosomal Dominant, Autosomal Recessive and X-Linked Classification Criteria (2023). Collection method: clinical testing. Allele origin: unknown.
Comment: This variant is considered benign. This variant is a silent/synonymous amino acid change and it is not expected to impact splicing.

Fulgent Genetics
Classification: Uncertain significance for Lymphangiomyomatosis; Isolated focal cortical dysplasia type II; Tuberous sclerosis 2. Last evaluated: 2024-05-24. Review status: criteria provided, single submitter. Criteria: ACMG Guidelines, 2015. Collection method: clinical testing. Allele origin: germline.

Labcorp Genetics (formerly Invitae), Labcorp
Classification: Likely benign for Tuberous sclerosis 2. Last evaluated: 2023-07-07. Review status: criteria provided, single submitter. Criteria: Invitae Variant Classification Sherloc (09022015). Collection method: clinical testing. Allele origin: germline.